The following is an entry in ClinVar:

NM_004859.4(CLTC):c.3799C>T (p.Arg1267Cys)

Gene: CLTC (clathrin heavy chain; plus strand). Cytogenetic location: 17q23.1.
Variant type: single nucleotide variant.
Coding change: c.3799C>T on transcript NM_004859.4 (MANE Select); coding-DNA position 3799, C replaced by T.
Protein change: p.Arg1267Cys; replaces arginine 1267 with cysteine.
Molecular consequence: missense variant.
Genome position (GRCh38, 1-based): chr17:59,682,940, C>T. VCF-style: chr17-59682940-C-T. GRCh37 (hg19) VCF-style: chr17-57760301-C-T.
Other names: c.3811C>T, p.Arg1271Cys (NM_001288653.2); short protein forms R1267C, R1271C.
Identifiers: ClinVar variation 2779914 (VCV002779914.3), dbSNP rs1351855076, ClinGen allele CA400419070.

ClinVar aggregate classification (germline): Uncertain significance (1 of 4 stars; one submission).

Allele frequency attached by ClinVar (database versions not stated): gnomAD exomes below 0.00001.
gnomAD v4.1: 3 of 1,614,016 alleles (0.00019%); highest among the groups gnomAD compares: Admixed American, 0.0017%; no homozygotes.

Submission:

Labcorp Genetics (formerly Invitae), Labcorp
Classification: Uncertain significance. Last evaluated: 2024-04-25. Review status: criteria provided, single submitter. Criteria: Invitae Variant Classification Sherloc (09022015). Collection method: clinical testing. Allele origin: germline.
Comment: This sequence change replaces arginine, which is basic and polar, with cysteine, which is neutral and slightly polar, at codon 1271 of the CLTC protein (p.Arg1271Cys). This variant is present in population databases (no rsID available, gnomAD 0.003%). This variant has not been reported in the literature in individuals affected with CLTC-related conditions. Advanced modeling of protein sequence and biophysical properties (such as structural, functional, and spatial information, amino acid conservation, physicochemical variation, residue mobility, and thermodynamic stability) performed at Invitae indicates that this missense variant is expected to disrupt CLTC protein function with a positive predictive value of 80%. In summary, the available evidence is currently insufficient to determine the role of this variant in disease. Therefore, it has been classified as a Variant of Uncertain Significance.